The following is an entry in ClinVar:

NM_000407.5(GP1BB):c.289C>T (p.Leu97Phe)

Genes: GP1BB (glycoprotein Ib platelet subunit beta; plus strand), SEPT5-GP1BB (SEPT5-GP1BB readthrough; plus strand). Cytogenetic location: 22q11.21.
Variant type: single nucleotide variant.
Coding change: c.289C>T on transcript NM_000407.5 (MANE Select); coding-DNA position 289, C replaced by T.
Protein change: p.Leu97Phe; replaces leucine 97 with phenylalanine.
Molecular consequence: missense variant. On other transcripts: non-coding transcript variant (2).
Genome position (GRCh38, 1-based): chr22:19,724,132, C>T. VCF-style: chr22-19724132-C-T. GRCh37 (hg19) VCF-style: chr22-19711655-C-T.
Other names: NM_000407.5:c.289C>T; short protein forms L97F.
Identifiers: ClinVar variation 4849249 (VCV004849249.1).

ClinVar aggregate classification (germline): Uncertain significance (3 of 4 stars; one submission).

Conditions:
Bernard Soulier syndrome (BSS). Also called: BLEEDING DISORDER, PLATELET-TYPE, 1; PLATELET GLYCOPROTEIN Ib DEFICIENCY; VON WILLEBRAND FACTOR RECEPTOR DEFICIENCY; Platelet Glycoprotein 1b, Deficiency of; Giant platelet syndrome; Hemorrhagiparous thrombocytic dystrophy. Identifiers: Orphanet 274, MedGen C0005129, MeSH D001606, MONDO:0009276, OMIM 231200.

Submission:

ClinGen Platelet Disorders Variant Curation Expert Panel, ClinGen
Classification: Uncertain significance for Bernard Soulier syndrome. Last evaluated: 2026-04-02. Review status: reviewed by expert panel. Criteria: ClinGen Platelet ACMG Specifications GP1BB V1.0.0. Collection method: curation. Allele origin: germline. Inheritance: Autosomal recessive inheritance.
Comment: The c.289C>T variant in GP1BB is a missense variant predicted to cause substitution of Leucine by Phenylalanine at amino acid 97 (p.Leu97Phe). At least one patient (Patient 2 in PMID: 23566026) had less than 10% expression of GPIba and GP9 measured by flow cytometry and undetectable levels of GPIba, GP1BB and GP9 by immunoblot, which is highly specific for Bernard-Soulier syndrome. Additionally, the patient had excessive mucocutaneous bleeding and macrothrombocytopenia which are consistent with Bernard-Soulier syndrome (PP4). This variant is absent from gnomAD v4.1.0 (PM2_Supporting). In summary, this variant meets the criteria to be classified as VUS for autosomal recessive Bernard-Soulier syndrome based on the ACMG/AMP criteria applied, as specified by the ClinGen PD VCEP: PP4, PM3 and PM2_Supporting (VCEP specifications version 1.1).